The following is an entry in ClinVar:

NM_005076.5(CNTN2):c.1345G>A (p.Val449Met)

Gene: CNTN2 (contactin 2; plus strand). Cytogenetic location: 1q32.1.
Variant type: single nucleotide variant.
Coding change: c.1345G>A on transcript NM_005076.5 (MANE Select); coding-DNA position 1345, G replaced by A.
Protein change: p.Val449Met; replaces valine 449 with methionine.
Molecular consequence: missense variant. On other transcripts: non-coding transcript variant (1).
Genome position (GRCh38, 1-based): chr1:205,064,426, G>A. VCF-style: chr1-205064426-G-A. GRCh37 (hg19) VCF-style: chr1-205033554-G-A.
Other names: c.1345G>A (NM_005076.3); c.1345G>A, p.Val449Met (NM_001346083.2); short protein forms V449M.
Identifiers: ClinVar variation 1396999 (VCV001396999.7), dbSNP rs553631482, ClinGen allele CA1351350.
Genomic context (GRCh38, chr1:205,064,426, plus strand): 5'-CCCGCGGCCCGCGGGGGAGAGATCCTTATCCCCTGCCAGCCCCGGGCAGCTCCAAAGGCC[G>A]TGGTGCTCTGGAGCAAAGGCACGGAGATTTTGGTCAACAGCAGCAGGTACCACCCACACC-3'
Protein context (NP_005067.1, residues 439-459): PCQPRAAPKA[Val449Met]VLWSKGTEIL

ClinVar aggregate classification (germline): Uncertain significance. Review status: criteria provided, multiple submitters, no conflicts (2 of 4 stars). 2 submissions from 2 submitters: Uncertain significance (2). Last evaluated 2025-07-15.

Conditions:
Epilepsy, familial adult myoclonic, 5 (EPEO5). Also called: CORTICAL MYOCLONIC TREMOR WITH EPILEPSY, FAMILIAL, 5. Identifiers: Orphanet 86814, MedGen C3809374, MONDO:0014167, OMIM 615400.

Allele frequency attached by ClinVar (database versions not stated): ExAC 0.00001; gnomAD 0.00001; gnomAD exomes 0.00003; 1000 Genomes Project 30x 0.00016; 1000 Genomes Project 0.00020.
gnomAD v4.1: 32 of 1,612,826 alleles (0.002%); highest among the groups gnomAD compares: South Asian, 0.018%; no homozygotes.

Submissions (2):

Ambry Genetics
Classification: Uncertain significance. Last evaluated: 2025-07-15. Review status: criteria provided, single submitter. Criteria: Ambry Variant Classification Scheme 2023. Collection method: clinical testing. Allele origin: germline.

Labcorp Genetics (formerly Invitae), Labcorp
Classification: Uncertain significance for Epilepsy, familial adult myoclonic, 5. Last evaluated: 2022-08-09. Review status: criteria provided, single submitter. Criteria: Invitae Variant Classification Sherloc (09022015). Collection method: clinical testing. Allele origin: germline.
Comment: This sequence change replaces valine, which is neutral and non-polar, with methionine, which is neutral and non-polar, at codon 449 of the CNTN2 protein (p.Val449Met). This variant is present in population databases (rs553631482, gnomAD 0.02%). This variant has not been reported in the literature in individuals affected with CNTN2-related conditions. ClinVar contains an entry for this variant (Variation ID: 1396999). Advanced modeling of protein sequence and biophysical properties (such as structural, functional, and spatial information, amino acid conservation, physicochemical variation, residue mobility, and thermodynamic stability) performed at Invitae indicates that this missense variant is not expected to disrupt CNTN2 protein function. In summary, the available evidence is currently insufficient to determine the role of this variant in disease. Therefore, it has been classified as a Variant of Uncertain Significance.